The following is an entry in ClinVar:

ClinVar aggregate classification (germline): Uncertain significance (1 of 4 stars; one submission).

Allele frequency attached by ClinVar (database versions not stated): gnomAD exomes below 0.00001.
gnomAD v4.1: 4 of 1,613,906 alleles (0.00025%); highest among the groups gnomAD compares: African/African-American, 0.0013%; no homozygotes.

Submission:

Labcorp Genetics (formerly Invitae), Labcorp
Classification: Uncertain significance. Last evaluated: 2022-09-07. Review status: criteria provided, single submitter. Criteria: Invitae Variant Classification Sherloc (09022015). Collection method: clinical testing. Allele origin: germline.
Comment: This variant is not present in population databases (gnomAD no frequency). This sequence change replaces arginine, which is basic and polar, with glutamine, which is neutral and polar, at codon 70 of the ELOVL4 protein (p.Arg70Gln). This variant has not been reported in the literature in individuals affected with ELOVL4-related conditions. In summary, the available evidence is currently insufficient to determine the role of this variant in disease. Therefore, it has been classified as a Variant of Uncertain Significance. Algorithms developed to predict the effect of missense changes on protein structure and function are either unavailable or do not agree on the potential impact of this missense change (SIFT: "Tolerated"; PolyPhen-2: "Possibly Damaging"; Align-GVGD: "Class C0"). ClinVar contains an entry for this variant (Variation ID: 1016019).

NM_022726.4(ELOVL4):c.209G>A (p.Arg70Gln)

Gene: ELOVL4 (ELOVL fatty acid elongase 4; minus strand). Cytogenetic location: 6q14.1.
Variant type: single nucleotide variant.
Coding change: c.209G>A on transcript NM_022726.4 (MANE Select); coding-DNA position 209, G replaced by A.
Protein change: p.Arg70Gln; replaces arginine 70 with glutamine.
Molecular consequence: missense variant.
Genome position (GRCh38, 1-based): chr6:79,926,273, C>T on the plus strand (G>A on the coding strand, the complement: ELOVL4 is on the minus strand). VCF-style: chr6-79926273-C-T. GRCh37 (hg19) VCF-style: chr6-80635990-C-T.
Other names: short protein forms R70Q.
Identifiers: ClinVar variation 1016019 (VCV001016019.10), dbSNP rs1774341216, ClinGen allele CA364657435.